The following is an entry in ClinVar:

NM_001286611.2(REPS1):c.1479A>G (p.Glu493=)

Gene: REPS1 (RALBP1 associated Eps domain containing 1; minus strand). Cytogenetic location: 6q24.1.
Variant type: single nucleotide variant.
Coding change: c.1479A>G on transcript NM_001286611.2 (MANE Select); coding-DNA position 1479, A replaced by G.
Protein change: p.Glu493=; no amino-acid change (glutamic acid 493 retained).
Molecular consequence: synonymous variant.
Genome position (GRCh38, 1-based): chr6:138,920,264, T>C on the plus strand (A>G on the coding strand, the complement: REPS1 is on the minus strand). VCF-style: chr6-138920264-T-C. GRCh37 (hg19) VCF-style: chr6-139241401-T-C.
Other names: c.1398A>G, p.Glu466= (NM_001128617.3, NM_001286612.2); c.1479A>G, p.Glu493= (NM_031922.5).
Identifiers: ClinVar variation 3626106 (VCV003626106.2).

ClinVar aggregate classification (germline): Uncertain significance (1 of 4 stars; one submission).

gnomAD v4.1: 6 of 1,603,908 alleles (0.00037%); highest among the groups gnomAD compares: Non-Finnish European, 0.00051%; no homozygotes.

Submission:

Labcorp Genetics (formerly Invitae), Labcorp
Classification: Uncertain significance. Last evaluated: 2024-11-06. Review status: criteria provided, single submitter. Criteria: Invitae Variant Classification Sherloc (09022015). Collection method: clinical testing. Allele origin: germline.
Comment: This sequence change affects codon 493 of the REPS1 mRNA. It is a 'silent' change, meaning that it does not change the encoded amino acid sequence of the REPS1 protein. This variant is present in population databases (no rsID available, gnomAD 0.007%). This variant has not been reported in the literature in individuals affected with REPS1-related conditions. Algorithms developed to predict the effect of sequence changes on RNA splicing suggest that this variant may disrupt the consensus splice site. In summary, the available evidence is currently insufficient to determine the role of this variant in disease. Therefore, it has been classified as a Variant of Uncertain Significance.